The following is an entry in ClinVar:

ClinVar aggregate classification (germline): Uncertain significance (1 of 4 stars; one submission).

Conditions:
Dilated cardiomyopathy 2B. Identifiers: Orphanet 154, MedGen C3553409, MONDO:0013848, OMIM 614672.

Allele frequency attached by ClinVar (database versions not stated): gnomAD exomes below 0.00001; TOPMed below 0.00001; gnomAD 0.00001.

Submission:

Labcorp Genetics (formerly Invitae), Labcorp
Classification: Uncertain significance for Dilated cardiomyopathy 2B. Last evaluated: 2022-03-25. Review status: criteria provided, single submitter. Criteria: Invitae Variant Classification Sherloc (09022015). Collection method: clinical testing. Allele origin: germline.
Comment: In summary, the available evidence is currently insufficient to determine the role of this variant in disease. Therefore, it has been classified as a Variant of Uncertain Significance. Algorithms developed to predict the effect of missense changes on protein structure and function (SIFT, PolyPhen-2, Align-GVGD) all suggest that this variant is likely to be disruptive. This variant has not been reported in the literature in individuals affected with GATAD1-related conditions. This variant is present in population databases (no rsID available, gnomAD 0.0009%). This sequence change replaces alanine, which is neutral and non-polar, with threonine, which is neutral and polar, at codon 183 of the GATAD1 protein (p.Ala183Thr).

NM_021167.5(GATAD1):c.547G>A (p.Ala183Thr)

Gene: GATAD1 (GATA zinc finger domain containing 1; plus strand). Cytogenetic location: 7q21.2.
Variant type: single nucleotide variant.
Coding change: c.547G>A on transcript NM_021167.5 (MANE Select); coding-DNA position 547, G replaced by A.
Protein change: p.Ala183Thr; replaces alanine 183 with threonine.
Molecular consequence: missense variant. On other transcripts: non-coding transcript variant (1).
Genome position (GRCh38, 1-based): chr7:92,454,613, G>A. VCF-style: chr7-92454613-G-A. GRCh37 (hg19) VCF-style: chr7-92083927-G-A.
Other names: short protein forms A183T.
Identifiers: ClinVar variation 2168178 (VCV002168178.4), dbSNP rs904608535, ClinGen allele CA161964316.